The following is an entry in ClinVar:

ClinVar aggregate classification (germline): Conflicting classifications of pathogenicity. Review status: criteria provided, conflicting classifications (1 of 4 stars). 3 submissions from 3 submitters: Uncertain significance (1); Likely benign (2). Last evaluated 2023-12-21.

Conditions:
Early-infantile DEE. Also called: Ohtahara syndrome; Early infantile epileptic encephalopathy; Early infantile epileptic encephalopathy with suppression bursts. Identifiers: Orphanet 1934, MedGen C0393706, MONDO:0800491.

Allele frequency attached by ClinVar (database versions not stated): gnomAD exomes below 0.00001 and 0.00001; ExAC 0.00001; gnomAD 0.00001.
gnomAD v4.1: 19 of 1,614,068 alleles (0.0012%); highest among the groups gnomAD compares: Non-Finnish European, 0.0016%; no homozygotes.

Submissions (3):

Labcorp Genetics (formerly Invitae), Labcorp
Classification: Likely benign for Early-infantile DEE. Last evaluated: 2023-12-21. Review status: criteria provided, single submitter. Criteria: Invitae Variant Classification Sherloc (09022015). Collection method: clinical testing. Allele origin: germline.

Eurofins Ntd Llc (ga)
Classification: Uncertain significance. Last evaluated: 2018-02-09. Review status: criteria provided, single submitter. Criteria: EGL ClinVar v180209 classification definitions. Collection method: clinical testing. Allele origin: germline. Observed: 1 variant allele, 1 heterozygote.

GeneDx
Classification: Likely benign. Last evaluated: 2016-08-05. Review status: criteria provided, single submitter. Criteria: GeneDx Variant Classification (06012015). Collection method: clinical testing. Allele origin: germline. Affected: yes.
Comment: This variant is considered likely benign or benign based on one or more of the following criteria: it is a conservative change, it occurs at a poorly conserved position in the protein, it is predicted to be benign by multiple in silico algorithms, and/or has population frequency not consistent with disease.

NM_001165963.4(SCN1A):c.90A>G (p.Ala30=)

Gene: SCN1A (sodium voltage-gated channel alpha subunit 1; minus strand). Cytogenetic location: 2q24.3.
Variant type: single nucleotide variant.
Coding change: c.90A>G on transcript NM_001165963.4 (MANE Select); coding-DNA position 90, A replaced by G.
Protein change: p.Ala30=; no amino-acid change (alanine 30 retained).
Molecular consequence: synonymous variant. On other transcripts: 5 prime UTR variant (1), non-coding transcript variant (1).
Genome position (GRCh38, 1-based): chr2:166,073,532, T>C on the plus strand (A>G on the coding strand, the complement: SCN1A is on the minus strand). VCF-style: chr2-166073532-T-C. GRCh37 (hg19) VCF-style: chr2-166930042-T-C.
Other names: c.90A>G, p.Ala30= (NM_001165964.3, NM_001202435.3, NM_001353948.2 and 10 more transcripts); c.-2336A>G (NM_001353961.2).
Identifiers: ClinVar variation 388327 (VCV000388327.14), dbSNP rs750748658, ClinGen allele CA1943571.